The following is an entry in ClinVar:

ClinVar aggregate classification (germline): Pathogenic (1 of 4 stars; one submission).

Conditions:
RYR1-related disorder. Also called: RYR1-related condition; RYR1-related disorders. Identifiers: MedGen CN239331.

Submission:

Labcorp Genetics (formerly Invitae), Labcorp
Classification: Pathogenic for RYR1-related disorder. Last evaluated: 2023-10-22. Review status: criteria provided, single submitter. Criteria: Invitae Variant Classification Sherloc (09022015). Collection method: clinical testing. Allele origin: germline.
Comment: This sequence change creates a premature translational stop signal (p.His4427Argfs*13) in the RYR1 gene. It is expected to result in an absent or disrupted protein product. Loss-of-function variants in RYR1 are known to be pathogenic (PMID: 23919265, 25960145, 28818389, 30611313). This variant is not present in population databases (gnomAD no frequency). This variant has not been reported in the literature in individuals affected with RYR1-related conditions. Algorithms developed to predict the effect of sequence changes on RNA splicing suggest that this variant may disrupt the consensus splice site. For these reasons, this variant has been classified as Pathogenic.

Literature cited by the submitters: PubMed 23919265; PubMed 25960145; PubMed 28818389; PubMed 30611313.

NM_000540.3(RYR1):c.13279_13282del (p.His4427fs)

Genes: RYR1 (ryanodine receptor 1; plus strand), LOC130064357 (ATAC-STARR-seq lymphoblastoid silent region 10577; plus strand). Cytogenetic location: 19q13.2.
Variant type: Deletion.
Coding change: c.13279_13282del on transcript NM_000540.3 (MANE Select); coding-DNA positions 13279 to 13282, 4 bases deleted (CACG; older notation c.13279_13282delCACG).
Protein change: p.His4427fs; shifts the reading frame from histidine 4427.
Molecular consequence: frameshift variant.
Genome position (GRCh38, 1-based): chr19:38,565,613-38,565,616, CACG deleted; deleting any 4 consecutive bases within chr19:38,565,612-38,565,616 gives the same sequence; the c. name uses the placement nearest the transcript's 3' end. VCF-style (leftmost placement, unchanged base first): chr19-38565611-TGCAC-T. GRCh37 (hg19) VCF-style: chr19-39056251-TGCAC-T.
Other names: c.13264_13267del, p.His4422fs (NM_001042723.2); short protein forms H4422fs, H4427fs.
Identifiers: ClinVar variation 2770809 (VCV002770809.3), dbSNP rs2514680973, ClinGen allele CA2697556512.
Genomic context (GRCh38, chr19:38,565,611, plus strand): 5'-AGGGTGCCAGCGAGGGCGCTGGAGACGCCGCGGAGGGCGCTGGAGACGAGGAGGAGGCGG[TGCAC>T]GAGGCCGGGCCGGGCGGTGCCGACGGGGCGGTGGCCGTGACCGATGGGGGCCCCTTCCGG-3'